The following is an entry in ClinVar:

NM_001366521.1(ATP2B1):c.3079G>T (p.Gly1027Cys)

Gene: ATP2B1 (ATPase plasma membrane Ca2+ transporting 1; minus strand). Cytogenetic location: 12q21.33.
Variant type: single nucleotide variant.
Coding change: c.3079G>T on transcript NM_001366521.1 (MANE Select); coding-DNA position 3079, G replaced by T.
Protein change: p.Gly1027Cys; replaces glycine 1027 with cysteine.
Molecular consequence: missense variant. On other transcripts: non-coding transcript variant (2), intron variant (5).
Genome position (GRCh38, 1-based): chr12:89,601,415, C>A on the plus strand (G>T on the coding strand, the complement: ATP2B1 is on the minus strand). VCF-style: chr12-89601415-C-A. GRCh37 (hg19) VCF-style: chr12-89995192-C-A.
Other names: c.3079G>T, p.Gly1027Cys (NM_001001323.2, NM_001366520.1, NM_001366522.1 and 8 more transcripts); c.2881G>T, p.Gly961Cys (NM_001366530.1, NM_001413053.1); c.2518G>T, p.Gly840Cys (NM_001366531.1, NM_001366532.1, NM_001413058.1 and 2 more transcripts); c.3040G>T, p.Gly1014Cys (NM_001413048.1); c.2938G>T, p.Gly980Cys (NM_001413051.1, NM_001413052.1); c.2836G>T, p.Gly946Cys (NM_001413054.1); c.2824G>T, p.Gly942Cys (NM_001413056.1); c.2626G>T, p.Gly876Cys (NM_001413057.1); and 2 more; short protein forms G1014C, G840C, G876C, G946C, G961C, G942C, G1027C, G980C.
Identifiers: ClinVar variation 5002870 (VCV005002870.1).

ClinVar aggregate classification (germline): Uncertain significance (1 of 4 stars; one submission).

Conditions:
Intellectual developmental disorder, autosomal dominant 66. Also called: MENTAL RETARDATION, AUTOSOMAL DOMINANT 66. Identifiers: MedGen C5677000, MONDO:0030891, OMIM 619910.

gnomAD v4.1: 3 of 1,561,046 alleles (0.00019%); highest among the groups gnomAD compares: Non-Finnish European, 0.00026%; no homozygotes.

Submission:

OLLIN Analises Genomicas, OLLIN
Classification: Uncertain significance for Intellectual developmental disorder, autosomal dominant 66. Last evaluated: 2026-08-06. Review status: criteria provided, single submitter. Criteria: ACMG Guidelines 2015 PMID 25741868. Collection method: clinical testing. Allele origin: germline. Inheritance: Autosomal dominant inheritance.
Comment: This missense variant, located in exon 19 (of 21), has been observed in gnomAD with an allele frequency of 0.000062%, but has not been reported in ClinVar or identified in the literature. In silico analysis predicts that this variant has a deleterious effect. According to the currently available evidence, this variant has been classified as uncertain significance (PM2_P, PP3_M).